The following is an entry in ClinVar:

ClinVar aggregate classification (germline): Uncertain significance (1 of 4 stars; one submission).

gnomAD v4.1: 9 of 1,610,210 alleles (0.00056%); highest among the groups gnomAD compares: South Asian, 0.0022%; no homozygotes.

Submission:

Women's Health and Genetics/Laboratory Corporation of America, LabCorp
Classification: Uncertain significance. Last evaluated: 2025-04-08. Review status: criteria provided, single submitter. Criteria: LabCorp Variant Classification Summary - May 2015. Collection method: clinical testing. Allele origin: germline.
Comment: Variant summary: PKD1 c.5014A>G (p.Arg1672Gly) results in a non-conservative amino acid change in the encoded protein sequence. Four of five in-silico tools predict a benign effect of the variant on protein function. The variant allele was found at a frequency of 1.6e-05 in 244582 control chromosomes. The available data on variant occurrences in the general population are insufficient to allow any conclusion about variant significance. To our knowledge, no occurrence of c.5014A>G in individuals affected with PKD1-Biallelic Autosomal Recessive Polycystic Kidney Disease and no experimental evidence demonstrating its impact on protein function have been reported. No submitters have cited clinical-significance assessments for this variant to ClinVar. Based on the evidence outlined above, the variant was classified as uncertain significance.

NM_001009944.3(PKD1):c.5014A>G (p.Arg1672Gly)

Gene: PKD1 (polycystin 1, transient receptor potential channel interacting; minus strand). Cytogenetic location: 16p13.3.
Variant type: single nucleotide variant.
Coding change: c.5014A>G on transcript NM_001009944.3 (MANE Select); coding-DNA position 5014, A replaced by G.
Protein change: p.Arg1672Gly; replaces arginine 1672 with glycine.
Molecular consequence: missense variant.
Genome position (GRCh38, 1-based): chr16:2,110,153, T>C on the plus strand (A>G on the coding strand, the complement: PKD1 is on the minus strand). VCF-style: chr16-2110153-T-C. GRCh37 (hg19) VCF-style: chr16-2160154-T-C.
Other names: c.5014A>G, p.Arg1672Gly (NM_000296.4); short protein forms R1672G.
Identifiers: ClinVar variation 3896397 (VCV003896397.2).
Genomic context (GRCh38, chr16:2,110,153, plus strand): 5'-TGCCGGCCTCGAGCACGGTGAGCGAGAAGCCTTTGCCGCTGCCGGCCAGGGCCGGGCCCC[T>C]GTCCCTCCAGGCAGTCCAGCTGTAGGAGACGTTGGTGCCATCCCTAACCACGGCCTGCAG-3'
Protein context (NP_001009944.3, residues 1662-1682): VSYSWTAWRD[Arg1672Gly]GPALAGSGKG